The following is an entry in ClinVar:

NM_001999.4(FBN2):c.8289C>T (p.Tyr2763=)

Gene: FBN2 (fibrillin 2; minus strand). Cytogenetic location: 5q23.3.
Variant type: single nucleotide variant.
Coding change: c.8289C>T on transcript NM_001999.4 (MANE Select); coding-DNA position 8289, C replaced by T.
Protein change: p.Tyr2763=; no amino-acid change (tyrosine 2763 retained).
Molecular consequence: synonymous variant.
Genome position (GRCh38, 1-based): chr5:128,261,811, G>A on the plus strand (C>T on the coding strand, the complement: FBN2 is on the minus strand). VCF-style: chr5-128261811-G-A. GRCh37 (hg19) VCF-style: chr5-127597503-G-A.
Identifiers: ClinVar variation 681482 (VCV000681482.13), dbSNP rs190292877, ClinGen allele CA3393860.
Genomic context (GRCh38, chr5:128,261,811, plus strand): 5'-TTCATGAATACTTCTCTTCTGCCTGCTGTCTTTCTTAGAATAGCCGTTGATTTTGCACTC[G>A]TAGCATGCTTCTGGGGACAGAGCATTTTCCTCATCGACCTCTGTATCCAGTGACAGGTAC-3'
Protein context (NP_001990.2, residues 2753-2773): EENALSPEAC[Tyr2763=]ECKINGYSKK

ClinVar aggregate classification (germline): Likely benign. Review status: criteria provided, multiple submitters, no conflicts (2 of 4 stars). 4 submissions from 4 submitters: Likely benign (3). 1 of the submissions does not count toward it. Last evaluated 2025-10-07.

Conditions:
Familial thoracic aortic aneurysm and aortic dissection (TAAD). Also called: Thoracic aortic aneurysms and dissections. Identifiers: Orphanet 91387, MedGen C4707243, MONDO:0019625.
FBN2-related disorder. Also called: FBN2-related condition.
Congenital contractural arachnodactyly (CCA). Also called: BEALS SYNDROME; Arthrogryposis, distal, type 9; Beals-Hecht syndrome. Identifiers: Orphanet 115, MedGen C0220668, MONDO:0007363, OMIM 121050.

Allele frequency attached by ClinVar (database versions not stated): ExAC 0.00002; gnomAD exomes 0.00004 and 0.00005; TOPMed 0.00005; gnomAD 0.00008 and 0.00009; 1000 Genomes Project 30x 0.00016; 1000 Genomes Project 0.00020.
gnomAD v4.1: 75 of 1,614,120 alleles (0.0046%); highest among the groups gnomAD compares: Middle Eastern, 0.033%; no homozygotes.

Submissions (4):

Labcorp Genetics (formerly Invitae), Labcorp
Classification: Likely benign for Congenital contractural arachnodactyly. Last evaluated: 2025-10-07. Review status: criteria provided, single submitter. Criteria: Invitae Variant Classification Sherloc (09022015). Collection method: clinical testing. Allele origin: germline.

Ambry Genetics
Classification: Likely benign for Familial thoracic aortic aneurysm and aortic dissection. Last evaluated: 2021-07-30. Review status: criteria provided, single submitter. Criteria: Ambry Variant Classification Scheme 2023. Collection method: clinical testing. Allele origin: germline.

GeneDx
Classification: Likely benign. Last evaluated: 2018-04-04. Review status: criteria provided, single submitter. Criteria: GeneDx Variant Classification (06012015). Collection method: clinical testing. Allele origin: germline. Affected: yes.
Comment: This variant is considered likely benign or benign based on one or more of the following criteria: it is a conservative change, it occurs at a poorly conserved position in the protein, it is predicted to be benign by multiple in silico algorithms, and/or has population frequency not consistent with disease.

PreventionGenetics, part of Exact Sciences
Classification: Likely benign for FBN2-related condition. Last evaluated: 2024-03-11. Review status: no assertion criteria provided. Collection method: clinical testing. Allele origin: germline. Not counted in ClinVar's aggregate classification.
Comment: This variant is classified as likely benign based on ACMG/AMP sequence variant interpretation guidelines (Richards et al. 2015 PMID: 25741868, with internal and published modifications).